The following is an entry in ClinVar:

ClinVar aggregate classification (germline): Benign. Review status: criteria provided, multiple submitters, no conflicts (2 of 4 stars). 8 submissions from 8 submitters: Benign (8). Last evaluated 2026-02-04.

Conditions:
Cardiovascular phenotype. Identifiers: MedGen CN230736.
Brittle cornea syndrome 1 (BCS1). Also called: DYSGENESIS MESODERMALIS CORNEAE ET SCLERAE; CORNEAL FRAGILITY, KERATOGLOBUS, BLUE SCLERAE, JOINT HYPEREXTENSIBILITY; EDS6B; FRAGILITAS OCULI WITH JOINT HYPEREXTENSIBILITY; Corneal fragility keratoglobus, blue sclerae AND joint hypermobility. Identifiers: Orphanet 90354, MedGen C0268344, MONDO:0024543, OMIM 229200.

Allele frequency attached by ClinVar (database versions not stated): gnomAD exomes 0.03872 and 0.04329; gnomAD 0.10496 and 0.10977; TOPMed 0.11331; 1000 Genomes Project 0.11362; 1000 Genomes Project 30x 0.11805.
gnomAD v4.1: 70,755 of 1,549,950 alleles (4.6%); highest among the groups gnomAD compares: African/African-American, 29%; 4,129 homozygotes.

Submissions (8):

Labcorp Genetics (formerly Invitae), Labcorp
Classification: Benign. Last evaluated: 2026-02-04. Review status: criteria provided, single submitter. Criteria: Invitae Variant Classification Sherloc (09022015). Collection method: clinical testing. Allele origin: germline.

Women's Health and Genetics/Laboratory Corporation of America, LabCorp
Classification: Benign. Last evaluated: 2026-01-21. Review status: criteria provided, single submitter. Criteria: LabCorp Variant Classification Summary - May 2015. Collection method: clinical testing. Allele origin: germline.

Blueprint Genetics
Classification: Benign. Last evaluated: 2024-11-27. Review status: criteria provided, single submitter. Criteria: ACMG Guidelines, 2015. Collection method: clinical testing. Allele origin: germline.

Mayo Clinic Laboratories, Mayo Clinic
Classification: Benign. Last evaluated: 2023-01-09. Review status: criteria provided, single submitter. Criteria: ACMG Guidelines, 2015. Collection method: clinical testing. Allele origin: germline. Observed: 244 variant alleles.

Genome-Nilou Lab
Classification: Benign for Brittle cornea syndrome 1. Last evaluated: 2021-12-05. Review status: criteria provided, single submitter. Criteria: ACMG Guidelines, 2015. Collection method: clinical testing. Allele origin: germline. Affected: no.

Ambry Genetics
Classification: Benign for Cardiovascular phenotype. Last evaluated: 2018-12-27. Review status: criteria provided, single submitter. Criteria: Ambry Variant Classification Scheme 2023. Collection method: clinical testing. Allele origin: germline.

GeneDx
Classification: Benign. Last evaluated: 2016-10-11. Review status: criteria provided, single submitter. Criteria: GeneDx Variant Classification (06012015). Collection method: clinical testing. Allele origin: germline. Affected: yes.
Comment: This variant is considered likely benign or benign based on one or more of the following criteria: it is a conservative change, it occurs at a poorly conserved position in the protein, it is predicted to be benign by multiple in silico algorithms, and/or has population frequency not consistent with disease.

Breakthrough Genomics
Classification: Benign. Review status: criteria provided, single submitter. Criteria: ACMG Guidelines, 2015. Collection method: not provided. Allele origin: germline. Inheritance: Autosomal recessive inheritance. Affected: yes.

NM_001367624.2(ZNF469):c.6462G>A (p.Pro2154=)

Gene: ZNF469 (zinc finger protein 469; plus strand). Cytogenetic location: 16q24.2.
Variant type: single nucleotide variant.
Coding change: c.6462G>A on transcript NM_001367624.2 (MANE Select); coding-DNA position 6462, G replaced by A.
Protein change: p.Pro2154=; no amino-acid change (proline 2154 retained).
Molecular consequence: synonymous variant.
Genome position (GRCh38, 1-based): chr16:88,433,932, G>A. VCF-style: chr16-88433932-G-A. GRCh37 (hg19) VCF-style: chr16-88500340-G-A.
Other names: NM_001127464.1:c.6378G>A; p.Pro2154=.
Identifiers: ClinVar variation 320954 (VCV000320954.19), dbSNP rs61472141, ClinGen allele CA8225157.
Genomic context (GRCh38, chr16:88,433,932, plus strand): 5'-CCCACTTACCTCGCCTTCCAGGGCCCAAGGTGGGCTGGGGGGGCAGCTGCCAGCATCTCC[G>A]TCCTGCAGGGACCCTCCCGGCCCCCAGCAGCTGCTGGCCTGTTCTCCTGCCTGGGCACCT-3'
Protein context (NP_001354553.1, residues 2144-2164): GGLGGQLPAS[Pro2154=]SCRDPPGPQQ